The following is an entry in ClinVar:

ClinVar aggregate classification (germline): Benign/Likely benign. Review status: criteria provided, multiple submitters, no conflicts (2 of 4 stars). 4 submissions from 4 submitters: Benign (2); Likely benign (2). Last evaluated 2025-12-17.

Conditions:
KLHL24-related disorder. Also called: KLHL24-related condition.

Allele frequency attached by ClinVar (database versions not stated): gnomAD exomes 0.00007 and 0.00018; ExAC 0.00027; 1000 Genomes Project 0.00060; gnomAD 0.00063 and 0.00068; TOPMed 0.00069; ESP Exome Variant Server 0.00093; 1000 Genomes Project 30x 0.00125.
gnomAD v4.1: 201 of 1,612,694 alleles (0.012%); highest among the groups gnomAD compares: African/African-American, 0.24%; 1 homozygote.

Submissions (4):

PreventionGenetics, part of Exact Sciences
Classification: Likely benign for KLHL24-related condition. Last evaluated: 2025-12-17. Review status: criteria provided, single submitter. Criteria: ACMG Guidelines, 2015. Collection method: clinical testing. Allele origin: germline.
Comment: This variant is classified as likely benign based on ACMG/AMP sequence variant interpretation guidelines (Richards et al. 2015 PMID: 25741868, with internal and published modifications).

Labcorp Genetics (formerly Invitae), Labcorp
Classification: Benign. Last evaluated: 2024-07-29. Review status: criteria provided, single submitter. Criteria: Invitae Variant Classification Sherloc (09022015). Collection method: clinical testing. Allele origin: germline.

Blueprint Genetics
Classification: Likely benign. Last evaluated: 2021-12-03. Review status: criteria provided, single submitter. Criteria: ACMG Guidelines, 2015. Collection method: clinical testing. Allele origin: germline.

Breakthrough Genomics
Classification: Benign. Review status: criteria provided, single submitter. Criteria: ACMG Guidelines, 2015. Collection method: not provided. Allele origin: germline. Inheritance: Autosomal dominant inheritance. Affected: yes.

NM_017644.3(KLHL24):c.13T>C (p.Leu5=)

Gene: KLHL24 (kelch like family member 24; plus strand). Cytogenetic location: 3q27.1.
Variant type: single nucleotide variant.
Coding change: c.13T>C on transcript NM_017644.3 (MANE Select); coding-DNA position 13, T replaced by C.
Protein change: p.Leu5=; no amino-acid change (leucine 5 retained).
Molecular consequence: synonymous variant. On other transcripts: 5 prime UTR variant (2), non-coding transcript variant (2).
Genome position (GRCh38, 1-based): chr3:183,650,369, T>C. VCF-style: chr3-183650369-T-C. GRCh37 (hg19) VCF-style: chr3-183368157-T-C.
Other names: c.13T>C, p.Leu5= (NM_001349413.1, NM_001349414.1, NM_001349415.1 and 11 more transcripts); c.-954T>C (NM_001349428.1, NM_001349429.1).
Identifiers: ClinVar variation 1599275 (VCV001599275.11), dbSNP rs142665840, ClinGen allele CA2721521.